The following is an entry in ClinVar:

NM_018979.4(WNK1):c.6923C>T (p.Ala2308Val)

Gene: WNK1 (WNK lysine deficient protein kinase 1; plus strand). Cytogenetic location: 12p13.33.
Variant type: single nucleotide variant.
Coding change: c.6923C>T on transcript NM_018979.4 (MANE Select); coding-DNA position 6923, C replaced by T.
Protein change: p.Ala2308Val; replaces alanine 2308 with valine.
Molecular consequence: missense variant.
Genome position (GRCh38, 1-based): chr12:908,566, C>T. VCF-style: chr12-908566-C-T. GRCh37 (hg19) VCF-style: chr12-1017732-C-T.
Other names: c.7703C>T, p.Ala2568Val (NM_001184985.2); c.6179C>T, p.Ala2060Val (NM_014823.3); c.7679C>T, p.Ala2560Val (NM_213655.5); short protein forms A2308V, A2568V, A2060V, A2560V.
Identifiers: ClinVar variation 934160 (VCV000934160.10), dbSNP rs1955893159, ClinGen allele CA383340936.

ClinVar aggregate classification (germline): Uncertain significance. Review status: criteria provided, multiple submitters, no conflicts (2 of 4 stars). 2 submissions from 2 submitters: Uncertain significance (2). Last evaluated 2023-05-22.

Conditions:
Neuropathy, hereditary sensory and autonomic, type 2A (HSAN2A). Also called: MORVAN DISEASE; NEUROPATHY, CONGENITAL SENSORY; NEUROPATHY, HEREDITARY SENSORY RADICULAR, AUTOSOMAL RECESSIVE; NEUROPATHY, HEREDITARY SENSORY, TYPE IIA; NEUROPATHY, PROGRESSIVE SENSORY, OF CHILDREN; WNK1-Related HSAN2 (HSAN2A). Identifiers: Orphanet 970, MedGen C2752089, MONDO:0024309, OMIM 201300.
Pseudohypoaldosteronism type 2C (PHA2C). Also called: Pseudohypoaldosteronism Type IIC. Identifiers: Orphanet 757, Orphanet 88940, MedGen C1840391, MONDO:0013778, OMIM 614492.

Allele frequency attached by ClinVar (database versions not stated): gnomAD exomes below 0.00001.
gnomAD v4.1: 2 of 1,614,170 alleles (0.00012%); highest among the groups gnomAD compares: East Asian, 0.0022%; no homozygotes.

Submissions (2):

Labcorp Genetics (formerly Invitae), Labcorp
Classification: Uncertain significance for Neuropathy, hereditary sensory and autonomic, type 2A; Pseudohypoaldosteronism type 2C. Last evaluated: 2023-05-22. Review status: criteria provided, single submitter. Criteria: Invitae Variant Classification Sherloc (09022015). Collection method: clinical testing. Allele origin: germline.
Comment: In summary, the available evidence is currently insufficient to determine the role of this variant in disease. Therefore, it has been classified as a Variant of Uncertain Significance. Advanced modeling of protein sequence and biophysical properties (such as structural, functional, and spatial information, amino acid conservation, physicochemical variation, residue mobility, and thermodynamic stability) performed at Invitae indicates that this missense variant is not expected to disrupt WNK1 protein function. ClinVar contains an entry for this variant (Variation ID: 934160). This variant has not been reported in the literature in individuals affected with WNK1-related conditions. This variant is not present in population databases (gnomAD no frequency). This sequence change replaces alanine, which is neutral and non-polar, with valine, which is neutral and non-polar, at codon 2560 of the WNK1 protein (p.Ala2560Val).

Fulgent Genetics
Classification: Uncertain significance for Neuropathy, hereditary sensory and autonomic, type 2A; Pseudohypoaldosteronism type 2C. Last evaluated: 2021-07-06. Review status: criteria provided, single submitter. Criteria: ACMG Guidelines, 2015. Collection method: clinical testing. Allele origin: unknown.